The following is an entry in ClinVar:

NC_000020.10:g.(?_35555565)_(35555675_?)dup

Gene: SAMHD1 (SAM and HD domain containing deoxynucleoside triphosphate triphosphohydrolase 1; minus strand). Cytogenetic location: 20q11.23.
Variant type: Duplication.
Identifiers: ClinVar variation 3248291 (VCV003248291.1).

ClinVar aggregate classification (germline): Likely pathogenic (1 of 4 stars; one submission).

Conditions:
Aicardi-Goutieres syndrome 5. Identifiers: Orphanet 51, MedGen C2749659, MONDO:0013059, OMIM 612952.

Submission:

Labcorp Genetics (formerly Invitae), Labcorp
Classification: Likely pathogenic for Aicardi-Goutieres syndrome 5. Last evaluated: 2023-11-13. Review status: criteria provided, single submitter. Criteria: Invitae Variant Classification Sherloc (09022015). Collection method: clinical testing. Allele origin: unknown.
Comment: This variant results in a copy number gain of the genomic region encompassing exon(s) 6 of the SAMHD1 gene. While the exact position of this variant cannot be determined from the data, sub-genic copy number gains are generally in tandem (PMID: 25640679). This variant is predicted to be out-of-frame, and may result in an absent or disrupted protein product. Loss-of-function variants in SAMHD1 are known to be pathogenic (PMID: 19525956, 22461318). This variant has not been reported in the literature in individuals affected with SAMHD1-related conditions. In summary, the currently available evidence indicates that the variant is pathogenic, but additional data are needed to prove that conclusively. Therefore, this variant has been classified as Likely Pathogenic.

Literature cited by the submitters: PubMed 25640679; PubMed 19525956; PubMed 22461318.